The following is an entry in ClinVar:

ClinVar aggregate classification (germline): Conflicting classifications of pathogenicity. Review status: criteria provided, conflicting classifications (1 of 4 stars). 6 submissions from 6 submitters: Uncertain significance (1); Benign (1); Likely benign (4). Last evaluated 2025-08-13.

Conditions:
Hereditary cancer-predisposing syndrome. Also called: Hereditary neoplastic syndrome; Tumor predisposition; Neoplastic Syndromes, Hereditary; Hereditary Cancer Syndrome. Identifiers: Orphanet 140162, MedGen C0027672, MeSH D009386, MONDO:0015356.
Peutz-Jeghers syndrome (PJS). Also called: Peutz-Jeghers polyposis; Periorificial lentiginosis syndrome; POLYPOSIS, HAMARTOMATOUS INTESTINAL; POLYPS-AND-SPOTS SYNDROME. Identifiers: Orphanet 2869, MedGen C0031269, MeSH D010580, MONDO:0008280, OMIM 175200.

Allele frequency attached by ClinVar (database versions not stated): gnomAD exomes below 0.00001.
gnomAD v4.1: 1 of 1,607,224 alleles (0.000062%); highest among the groups gnomAD compares: Non-Finnish European, 0.000085%; no homozygotes.

Submissions (6):

Labcorp Genetics (formerly Invitae), Labcorp
Classification: Likely benign for Peutz-Jeghers syndrome. Last evaluated: 2025-08-13. Review status: criteria provided, single submitter. Criteria: Invitae Variant Classification Sherloc (09022015). Collection method: clinical testing. Allele origin: germline.

Women's Health and Genetics/Laboratory Corporation of America, LabCorp
Classification: Likely benign. Last evaluated: 2025-05-03. Review status: criteria provided, single submitter. Criteria: LabCorp Variant Classification Summary - May 2015. Collection method: clinical testing. Allele origin: germline.

Myriad Genetics, Inc.
Classification: Benign for Peutz-Jeghers syndrome. Last evaluated: 2025-03-28. Review status: criteria provided, single submitter. Criteria: Myriad Autosomal Dominant, Autosomal Recessive and X-Linked Classification Criteria (2023). Collection method: clinical testing. Allele origin: unknown.
Comment: This variant is considered benign. This variant is a silent/synonymous amino acid change and it is not expected to impact splicing.

Genome-Nilou Lab
Classification: Uncertain significance for Peutz-Jeghers syndrome. Last evaluated: 2021-07-15. Review status: criteria provided, single submitter. Criteria: ACMG Guidelines, 2015. Collection method: clinical testing. Allele origin: germline. Affected: no.

GeneDx
Classification: Likely benign. Last evaluated: 2015-12-04. Review status: criteria provided, single submitter. Criteria: GeneDx Variant Classification (06012015). Collection method: clinical testing. Allele origin: germline. Affected: yes.
Comment: This variant is considered likely benign or benign based on one or more of the following criteria: it is a conservative change, it occurs at a poorly conserved position in the protein, it is predicted to be benign by multiple in silico algorithms, and/or has population frequency not consistent with disease.

Ambry Genetics
Classification: Likely benign for Hereditary cancer-predisposing syndrome. Last evaluated: 2015-07-03. Review status: criteria provided, single submitter. Criteria: Ambry Variant Classification Scheme 2023. Collection method: clinical testing. Allele origin: germline.

NM_000455.5(STK11):c.1002C>T (p.Ser334=)

Genes: STK11 (serine/threonine kinase 11; plus strand), LOC130062899 (ATAC-STARR-seq lymphoblastoid active region 13597; plus strand). Cytogenetic location: 19p13.3.
Variant type: single nucleotide variant.
Coding change: c.1002C>T on transcript NM_000455.5 (MANE Select); coding-DNA position 1002, C replaced by T.
Protein change: p.Ser334=; no amino-acid change (serine 334 retained).
Molecular consequence: synonymous variant.
Genome position (GRCh38, 1-based): chr19:1,223,066, C>T. VCF-style: chr19-1223066-C-T. GRCh37 (hg19) VCF-style: chr19-1223065-C-T.
Identifiers: ClinVar variation 382158 (VCV000382158.15), dbSNP rs1057521267, ClinGen allele CA16608089.